The following is an entry in ClinVar:

NM_014844.5(TECPR2):c.1255G>A (p.Gly419Ser)

Gene: TECPR2 (tectonin beta-propeller repeat containing 2; plus strand). Cytogenetic location: 14q32.31.
Variant type: single nucleotide variant.
Coding change: c.1255G>A on transcript NM_014844.5 (MANE Select); coding-DNA position 1255, G replaced by A.
Protein change: p.Gly419Ser; replaces glycine 419 with serine.
Molecular consequence: missense variant.
Genome position (GRCh38, 1-based): chr14:102,431,966, G>A. VCF-style: chr14-102431966-G-A. GRCh37 (hg19) VCF-style: chr14-102898303-G-A.
Other names: c.1255G>A, p.Gly419Ser (NM_001172631.3); short protein forms G419S.
Identifiers: ClinVar variation 665882 (VCV000665882.7), dbSNP rs779431365, ClinGen allele CA7357677.

ClinVar aggregate classification (germline): Conflicting classifications of pathogenicity. Review status: criteria provided, conflicting classifications (1 of 4 stars). 3 submissions from 3 submitters: Uncertain significance (1); Likely benign (1). 1 of the submissions does not count toward it. Last evaluated 2025-10-26.

Conditions:
Inborn genetic diseases. Identifiers: MedGen C0950123, MeSH D030342.
Hereditary spastic paraplegia 49 (HSAN9). Also called: NEUROPATHY, HEREDITARY SENSORY AND AUTONOMIC, TYPE IX, WITH DEVELOPMENTAL DELAY; Spastic paraplegia 49, autosomal recessive; TECPR2-Related Hereditary Sensory and Autonomic Neuropathy with Intellectual Disability. Identifiers: Orphanet 320385, MedGen C5190860, MONDO:0014016, OMIM 615031.

Allele frequency attached by ClinVar (database versions not stated): ExAC 0.00002; gnomAD exomes 0.00004 and 0.00006; gnomAD 0.00007 and 0.00009; TOPMed 0.00010.
gnomAD v4.1: 92 of 1,612,800 alleles (0.0057%); highest among the groups gnomAD compares: South Asian, 0.0077%; 1 homozygote.

Submissions (3):

Labcorp Genetics (formerly Invitae), Labcorp
Classification: Uncertain significance for Hereditary spastic paraplegia 49. Last evaluated: 2025-10-26. Review status: criteria provided, single submitter. Criteria: Invitae Variant Classification Sherloc (09022015). Collection method: clinical testing. Allele origin: germline.
Comment: This sequence change replaces glycine, which is neutral and non-polar, with serine, which is neutral and polar, at codon 419 of the TECPR2 protein (p.Gly419Ser). This variant is present in population databases (rs779431365, gnomAD 0.02%). This variant has not been reported in the literature in individuals affected with TECPR2-related conditions. ClinVar contains an entry for this variant (Variation ID: 665882). An algorithm developed to predict the effect of missense changes on protein structure and function outputs the following: PolyPhen-2: "Benign". The serine amino acid residue is found in multiple mammalian species, which suggests that this missense change does not adversely affect protein function. In summary, the available evidence is currently insufficient to determine the role of this variant in disease. Therefore, it has been classified as a Variant of Uncertain Significance.

Ambry Genetics
Classification: Likely benign for Inborn genetic diseases. Last evaluated: 2024-03-28. Review status: criteria provided, single submitter. Criteria: Ambry Variant Classification Scheme 2023. Collection method: clinical testing. Allele origin: germline.

Natera, Inc.
Classification: Uncertain significance for Autosomal recessive spastic paraplegia type 49. Last evaluated: 2020-04-16. Review status: no assertion criteria provided. Collection method: clinical testing. Allele origin: germline. Not counted in ClinVar's aggregate classification.